The following is an entry in ClinVar:

ClinVar aggregate classification (germline): other (0 of 4 stars; one submission).

Conditions:
Familial colorectal cancer. Identifiers: MedGen CN280943, MONDO:0023113. Disease mechanism: loss of function.

Submission:

Systems Biology Platform Zhejiang California International NanoSystems Institute
Classification: other for Familial colorectal cancer. Review status: no assertion criteria provided. Collection method: not provided. Allele origin: unknown.
ClinVar note: Converted during submission from cancer to other.

NM_001127511.3(APC):c.165+22445G>T

Gene: APC (APC regulator of Wnt signaling pathway; plus strand). Cytogenetic location: 5q22.2.
Variant type: single nucleotide variant.
Coding change: c.165+22445G>T on transcript NM_001127511.3; 22445 bases into the intron after coding-DNA position 165, G replaced by T.
Molecular consequence: intron variant.
Genome position (GRCh38, 1-based): chr5:112,730,327, G>T. VCF-style: chr5-112730327-G-T. GRCh37 (hg19) VCF-style: chr5-112066024-G-T.
Other names: c.-1054+22445G>T (NM_001407470.1, NM_001407472.1); c.-19+22445G>T (NM_001407447.1, NM_001354895.2, NM_001407456.1 and 3 more transcripts); c.165+22445G>T (NM_001407446.1, NM_001354897.2, NM_001354902.2); c.-19+22678G>T (NM_001407448.1, NM_001407450.1, NM_001407457.1 and 1 more transcripts); c.-43+22678G>T (NM_001407453.1).
Identifiers: ClinVar variation 82713 (VCV000082713.4), dbSNP rs75617200, ClinGen allele CA023544.